The following is an entry in ClinVar:

NM_024426.6(WT1):c.965+4A>G

Gene: WT1 (WT1 transcription factor; minus strand). Cytogenetic location: 11p13.
Variant type: single nucleotide variant.
Coding change: c.965+4A>G on transcript NM_024426.6 (MANE Select); 4 bases into the intron after coding-DNA position 965, A replaced by G.
Molecular consequence: intron variant. On other transcripts: non-coding transcript variant (2).
Genome position (GRCh38, 1-based): chr11:32,417,573, T>C on the plus strand (A>G on the coding strand, the complement: WT1 is on the minus strand). VCF-style: chr11-32417573-T-C. GRCh37 (hg19) VCF-style: chr11-32439119-T-C.
Other names: c.950+4A>G (NM_024426.4); c.842+4A>G (NM_001407050.1, NM_001407047.1); c.965+4A>G (NM_001407048.1, NM_001407049.1, NM_000378.6 and 4 more transcripts); c.746+4A>G (NM_001429034.1, NM_001429033.1, NM_001429032.1 and 1 more transcripts); c.203+4A>G (NM_001407051.1); c.314+4A>G (NM_001198552.2, NM_001198551.2).
Identifiers: ClinVar variation 3753351 (VCV003753351.3).
Genomic context (GRCh38, chr11:32,417,573, plus strand): 5'-CTTTGAAATGGTTCAAACAGGTATAAGTTACTGTGGAAAGGCAATGGAATAGAGAAAACC[T>C]TACCCCTTTAAGGTGGCTCCTAAGTTCATCTGATTCCAGGTCATGCATTCAAGCTGGGAT-3'

ClinVar aggregate classification (germline): Uncertain significance. Review status: criteria provided, multiple submitters, no conflicts (2 of 4 stars). 2 submissions from 2 submitters: Uncertain significance (2). Last evaluated 2025-12-17.

Conditions:
Wilms tumor 1 (WT1). Also called: Wilms tumor, somatic. Identifiers: Orphanet 654, MedGen CN033288, MONDO:0008679, OMIM 194070.
11p partial monosomy syndrome (WAGR). Also called: CHROMOSOME 11p13 DELETION SYNDROME; WAGR Spectrum Disorder; WAGR syndrome; WAGR Complex. Identifiers: Orphanet 893, MedGen C0206115, MONDO:0008681, OMIM 194072.
Drash syndrome (DDS). Also called: NEPHROPATHY, WILMS TUMOR, AND GENITAL ANOMALIES; WILMS TUMOR AND PSEUDO- OR TRUE HERMAPHRODITISM. Identifiers: Orphanet 220, MedGen C0950121, MONDO:0008682, OMIM 194080.
Frasier syndrome. Identifiers: Orphanet 347, MedGen C0950122, MeSH D052159, MONDO:0007635, OMIM 136680.
Inborn genetic diseases. Identifiers: MedGen C0950123, MeSH D030342.

Submissions (2):

Ambry Genetics
Classification: Uncertain significance for Inborn genetic diseases. Last evaluated: 2025-12-17. Review status: criteria provided, single submitter. Criteria: Ambry Variant Classification Scheme 2023. Collection method: clinical testing. Allele origin: germline.
Comment: The c.950+4A>G intronic variant results from an A to G substitution 4 nucleotides after coding exon 4 in the WT1 gene. This nucleotide position is highly conserved in available vertebrate species. In silico splice site analysis predicts that this alteration will weaken the native splice donor site. Based on the available evidence, the clinical significance of this variant remains unclear.

Labcorp Genetics (formerly Invitae), Labcorp
Classification: Uncertain significance for Wilms tumor 1; Drash syndrome; 11p partial monosomy syndrome; Frasier syndrome. Last evaluated: 2024-11-02. Review status: criteria provided, single submitter. Criteria: Invitae Variant Classification Sherloc (09022015). Collection method: clinical testing. Allele origin: germline.
Comment: This sequence change falls in intron 4 of the WT1 gene. It does not directly change the encoded amino acid sequence of the WT1 protein. It affects a nucleotide within the consensus splice site. This variant is not present in population databases (gnomAD no frequency). This variant has not been reported in the literature in individuals affected with WT1-related conditions. Variants that disrupt the consensus splice site are a relatively common cause of aberrant splicing (PMID: 17576681, 9536098). Algorithms developed to predict the effect of sequence changes on RNA splicing suggest that this variant may disrupt the consensus splice site. In summary, the available evidence is currently insufficient to determine the role of this variant in disease. Therefore, it has been classified as a Variant of Uncertain Significance.

Literature cited by the submitters: PubMed 17576681 (cited by Labcorp Genetics (formerly Invitae), Labcorp); PubMed 9536098 (cited by Labcorp Genetics (formerly Invitae), Labcorp).